The following is an entry in ClinVar:

NM_001009944.3(PKD1):c.11374_11396del (p.Ser3792fs)

Genes: PKD1 (polycystin 1, transient receptor potential channel interacting; minus strand), PKD1-AS1 (PKD1 antisense RNA 1; plus strand). Cytogenetic location: 16p13.3.
Variant type: Deletion.
Coding change: c.11374_11396del on transcript NM_001009944.3 (MANE Select); coding-DNA positions 11374 to 11396, 23 bases deleted (TCGGGGACGTGGGCCTATTCAGC).
Protein change: p.Ser3792fs; shifts the reading frame from serine 3792.
Molecular consequence: frameshift variant.
Genome position (GRCh38, 1-based): chr16:2,092,062-2,092,084, GCTGAATAGGCCCACGTCCCCGA deleted on the plus strand (TCGGGGACGTGGGCCTATTCAGC on the coding strand, the reverse complement: PKD1 is on the minus strand); deleting any 23 consecutive bases within chr16:2,092,062-2,092,086 gives the same sequence; the c. name uses the placement nearest the transcript's 3' end. VCF-style (leftmost placement, unchanged base first): chr16-2092061-CGCTGAATAGGCCCACGTCCCCGA-C. GRCh37 (hg19) VCF-style: chr16-2142062-CGCTGAATAGGCCCACGTCCCCGA-C.
Other names: c.11371_11393del, p.Ser3791fs (NM_000296.4); short protein forms S3791fs, S3792fs.
Identifiers: ClinVar variation 5038098 (VCV005038098.1).

ClinVar aggregate classification (germline): Pathogenic (1 of 4 stars; one submission).

Conditions:
Polycystic kidney disease, adult type (PKD1). Also called: Polycystic Kidney Disease 1, Autosomal Dominant; POLYCYSTIC KIDNEY DISEASE, ADULT, TYPE I; Polycystic kidney disease 1; Polycystic kidney disease 1, severe; POLYCYSTIC KIDNEY DISEASE 1 WITH OR WITHOUT POLYCYSTIC LIVER DISEASE; Polycystic Kidney, Autosomal Dominant. Identifiers: MedGen C3149841, MONDO:0008263, OMIM 173900.

Submission:

MVZ Medizinische Genetik Mainz
Classification: Pathogenic for Polycystic kidney disease, adult type. Last evaluated: 2026-02-11. Review status: criteria provided, single submitter. Criteria: UK Practice Guidelines For Variant Classification V4 01 2020. Collection method: clinical testing. Allele origin: germline. Inheritance: Autosomal dominant inheritance. Affected: yes. Observed: 1 variant allele.
Comment: ACMG Criteria: PVS1,PM2_SUP,PP4